The following is an entry in ClinVar:

NM_003235.5(TG):c.1351C>T (p.Arg451Ter)

Gene: TG (thyroglobulin; plus strand). Cytogenetic location: 8q24.22.
Variant type: single nucleotide variant.
Coding change: c.1351C>T on transcript NM_003235.5 (MANE Select); coding-DNA position 1351, C replaced by T.
Protein change: p.Arg451Ter; replaces arginine 451 with a stop codon.
Molecular consequence: nonsense.
Genome position (GRCh38, 1-based): chr8:132,886,723, C>T. VCF-style: chr8-132886723-C-T. GRCh37 (hg19) VCF-style: chr8-133898968-C-T.
Other names: short protein forms R451*.
Identifiers: ClinVar variation 2735216 (VCV002735216.5), dbSNP rs773142559, ClinGen allele CA4883168.

ClinVar aggregate classification (germline): Pathogenic. Review status: criteria provided, multiple submitters, no conflicts (2 of 4 stars). 3 submissions from 3 submitters: Pathogenic (3). Last evaluated 2024-11-25.

Conditions:
Iodotyrosyl coupling defect (TDH3). Also called: HYPOTHYROIDISM, CONGENITAL, DUE TO DYSHORMONOGENESIS, 3; THYROID HORMONOGENESIS, GENETIC DEFECT IN, 3. Identifiers: Orphanet 95716, MedGen C0342194, MONDO:0010135, OMIM 274700.
Autoimmune thyroid disease, susceptibility to, 3. Identifiers: MedGen C1842444, MONDO:0011982, OMIM 608175.

Allele frequency attached by ClinVar (database versions not stated): gnomAD exomes 0.00001; TOPMed 0.00001.
gnomAD v4.1: 14 of 1,614,158 alleles (0.00087%); highest among the groups gnomAD compares: East Asian, 0.0022%; no homozygotes.

Submissions (3):

3billion
Classification: Pathogenic for Iodotyrosyl coupling defect. Last evaluated: 2024-11-25. Review status: criteria provided, single submitter. Criteria: ACMG Guidelines, 2015. Collection method: clinical testing. Allele origin: germline. Affected: yes.
Comment: The variant is observed at an extremely low frequency in the gnomAD v4.1.0 dataset (total allele frequency: <0.001%). Predicted Consequence/Location: Stop-gained (nonsense): predicted to result in a loss or disruption of normal protein function through nonsense-mediated decay (NMD) or protein truncation. Multiple pathogenic variants are reported downstream of the variant. The variant has been reported to be associated with TG related disorder (ClinVar ID: VCV002735216 /PMID: 19837936). Therefore, this variant is classified as Pathogenic according to the recommendation of ACMG/AMP guideline.

Fulgent Genetics
Classification: Pathogenic for Iodotyrosyl coupling defect; Autoimmune thyroid disease, susceptibility to, 3. Last evaluated: 2024-06-12. Review status: criteria provided, single submitter. Criteria: ACMG Guidelines, 2015. Collection method: clinical testing. Allele origin: germline.

Labcorp Genetics (formerly Invitae), Labcorp
Classification: Pathogenic. Last evaluated: 2023-03-27. Review status: criteria provided, single submitter. Criteria: Invitae Variant Classification Sherloc (09022015). Collection method: clinical testing. Allele origin: germline.
Comment: For these reasons, this variant has been classified as Pathogenic. This premature translational stop signal has been observed in individual(s) with clinical features of thyroid dyshormonogenesis (PMID: 19837936, 29275168). This variant is present in population databases (rs773142559, gnomAD 0.02%). This sequence change creates a premature translational stop signal (p.Arg451*) in the TG gene. It is expected to result in an absent or disrupted protein product. Loss-of-function variants in TG are known to be pathogenic (PMID: 19837936, 23164529).

Literature cited by the submitters: PubMed 19837936 (cited by 3billion and Labcorp Genetics (formerly Invitae), Labcorp); PubMed 29275168 (cited by Labcorp Genetics (formerly Invitae), Labcorp); PubMed 23164529 (cited by Labcorp Genetics (formerly Invitae), Labcorp).